The following is an entry in ClinVar:

NM_022436.3(ABCG5):c.1001T>C (p.Ile334Thr)

Genes: ABCG5 (ATP binding cassette subfamily G member 5; minus strand), DYNC2LI1 (dynein cytoplasmic 2 light intermediate chain 1; plus strand). Cytogenetic location: 2p21.
Variant type: single nucleotide variant.
Coding change: c.1001T>C on transcript NM_022436.3 (MANE Select); coding-DNA position 1001, T replaced by C.
Protein change: p.Ile334Thr; replaces isoleucine 334 with threonine.
Molecular consequence: missense variant. On other transcripts: intron variant (2).
Genome position (GRCh38, 1-based): chr2:43,824,336, A>G on the plus strand (T>C on the coding strand, the complement: ABCG5 is on the minus strand). VCF-style: chr2-43824336-A-G. GRCh37 (hg19) VCF-style: chr2-44051475-A-G.
Other names: c.*16-3050A>G (NM_001348913.2, NM_001348912.2); short protein forms I334T.
Identifiers: ClinVar variation 2564008 (VCV002564008.3), dbSNP rs1171117803, ClinGen allele CA346664720.
Genomic context (GRCh38, chr2:43,824,336, plus strand): 5'-ACCATTGGTAACGTTTTCAGGTGTTTCATTCTTTCAATATTCTTCAAAGTTTTATGACAA[A>G]TTGCTGATTTCTTGTAGGCAGATTCTATCATCTGGACTCTCTTGGAGGTTTCTATTTCCC-3'
Protein context (NP_071881.1, residues 324-344): MIESAYKKSA[Ile334Thr]CHKTLKNIER

ClinVar aggregate classification (germline): Uncertain significance. Review status: criteria provided, multiple submitters, no conflicts (2 of 4 stars). 2 submissions from 2 submitters: Uncertain significance (2). Last evaluated 2024-08-30.

Conditions:
Cardiovascular phenotype. Identifiers: MedGen CN230736.
Sitosterolemia 2. Identifiers: MedGen C5231453, MONDO:0020748, OMIM 618666.

gnomAD v4.1: 3 of 1,614,146 alleles (0.00019%); highest among the groups gnomAD compares: Non-Finnish European, 0.00025%; no homozygotes.

Submissions (2):

Revvity Omics, Revvity
Classification: Uncertain significance for Sitosterolemia 2. Last evaluated: 2024-08-30. Review status: criteria provided, single submitter. Criteria: ACMG Guidelines, 2015. Collection method: clinical testing. Allele origin: germline.

Ambry Genetics
Classification: Uncertain significance for Cardiovascular phenotype. Last evaluated: 2023-05-01. Review status: criteria provided, single submitter. Criteria: Ambry Variant Classification Scheme 2023. Collection method: clinical testing. Allele origin: germline.
Comment: The p.I334T variant (also known as c.1001T>C), located in coding exon 8 of the ABCG5 gene, results from a T to C substitution at nucleotide position 1001. The isoleucine at codon 334 is replaced by threonine, an amino acid with similar properties. This amino acid position is conserved. In addition, this alteration is predicted to be tolerated by in silico analysis. Since supporting evidence is limited at this time, the clinical significance of this alteration remains unclear.